The following is an entry in ClinVar:

ClinVar aggregate classification (germline): Uncertain significance (1 of 4 stars; one submission).

Submission:

Labcorp Genetics (formerly Invitae), Labcorp
Classification: Uncertain significance. Last evaluated: 2024-01-16. Review status: criteria provided, single submitter. Criteria: Invitae Variant Classification Sherloc (09022015). Collection method: clinical testing. Allele origin: germline.
Comment: This sequence change replaces phenylalanine, which is neutral and non-polar, with leucine, which is neutral and non-polar, at codon 507 of the MAMLD1 protein (p.Phe507Leu). This variant is not present in population databases (gnomAD no frequency). This variant has not been reported in the literature in individuals affected with MAMLD1-related conditions. Algorithms developed to predict the effect of missense changes on protein structure and function output the following: SIFT: "Not Available"; PolyPhen-2: "Benign"; Align-GVGD: "Not Available". The leucine amino acid residue is found in multiple mammalian species, which suggests that this missense change does not adversely affect protein function. In summary, the available evidence is currently insufficient to determine the role of this variant in disease. Therefore, it has been classified as a Variant of Uncertain Significance.

NM_005491.5(MAMLD1):c.1519T>C (p.Phe507Leu)

Gene: MAMLD1 (mastermind like domain containing 1; plus strand). Cytogenetic location: Xq28.
Variant type: single nucleotide variant.
Coding change: c.1519T>C on transcript NM_005491.5 (MANE Select); coding-DNA position 1519, T replaced by C.
Protein change: p.Phe507Leu; replaces phenylalanine 507 with leucine.
Molecular consequence: missense variant.
Genome position (GRCh38, 1-based): chrX:150,471,092, T>C. VCF-style: chrX-150471092-T-C. GRCh37 (hg19) VCF-style: chrX-149639364-T-C.
Other names: c.1444T>C, p.Phe482Leu (NM_001177465.3, NM_001177466.3, NM_001400514.1); c.1519T>C, p.Phe507Leu (NM_001400512.1, NM_001400513.1, NM_001400515.1); short protein forms F482L, F507L.
Identifiers: ClinVar variation 2709055 (VCV002709055.3), dbSNP rs782428670, ClinGen allele CA415226119.